The following is an entry in ClinVar:

ClinVar aggregate classification (germline): Likely benign. Review status: criteria provided, multiple submitters, no conflicts (2 of 4 stars). 2 submissions from 2 submitters: Likely benign (2). Last evaluated 2024-10-14.

Allele frequency attached by ClinVar (database versions not stated): 1000 Genomes Project 0.00040; 1000 Genomes Project 30x 0.00047; ESP Exome Variant Server 0.00054; gnomAD 0.00088; ExAC 0.00091; TOPMed 0.00098; gnomAD exomes 0.00140.
gnomAD v4.1: 2,153 of 1,614,168 alleles (0.13%); highest among the groups gnomAD compares: Non-Finnish European, 0.16%; 4 homozygotes.

Submissions (2):

Blueprint Genetics
Classification: Likely benign. Last evaluated: 2024-10-14. Review status: criteria provided, single submitter. Criteria: ACMG Guidelines, 2015. Collection method: clinical testing. Allele origin: germline.

CeGaT Center for Human Genetics Tuebingen
Classification: Likely benign. Last evaluated: 2023-08-01. Review status: criteria provided, single submitter. Criteria: CeGaT Center For Human Genetics Tuebingen Variant Classification Criteria Version 2. Collection method: clinical testing. Allele origin: germline. Affected: yes. Observed: 2 variant alleles.
Comment: ERCC6: BP4, BP7; PGBD3: BP4, BP7

NM_001277058.2(ERCC6):c.1752A>G (p.Lys584=)

Genes: ERCC6 (ERCC excision repair 6, chromatin remodeling factor; minus strand), PGBD3 (piggyBac transposable element derived 3; minus strand). Cytogenetic location: 10q11.23.
Variant type: single nucleotide variant.
Coding change: c.1752A>G on transcript NM_001277058.2 (MANE Plus Clinical); coding-DNA position 1752, A replaced by G.
Protein change: p.Lys584=; no amino-acid change (lysine 584 retained).
Molecular consequence: synonymous variant. On other transcripts: intron variant (2).
Genome position (GRCh38, 1-based): chr10:49,516,767, T>C on the plus strand (A>G on the coding strand, the complement: ERCC6 is on the minus strand). VCF-style: chr10-49516767-T-C. GRCh37 (hg19) VCF-style: chr10-50724813-T-C.
Other names: c.1752A>G, p.Lys584= (NM_001277059.2); c.348A>G, p.Lys116= (NM_170753.3); c.1397+7266A>G (NM_001346440.2, NM_000124.4).
Identifiers: ClinVar variation 2640456 (VCV002640456.25), dbSNP rs142898326, ClinGen allele CA5496257.
Genomic context (GRCh38, chr10:49,516,767, plus strand): 5'-GAAGAAATCGTTTGGTGGTGCTGTAACTCTACCTGCTACGGGTTGTACAGTTAGGTCGGC[T>C]TTTTTCCATTTGCAAAGAATTTTTGTCATTTTCCTCCTCCTTGATGGTGGAGGTTGCTGC-3'
Protein context (NP_001263987.1, residues 574-594): KMTKILCKWK[Lys584=]ADLTVQPVAG